The following is an entry in ClinVar:

ClinVar aggregate classification (germline): Likely pathogenic (1 of 4 stars; one submission).

Conditions:
BODY MASS INDEX QUANTITATIVE TRAIT LOCUS 20 (BMIQ20). Also called: MELANOCORTIN 4 RECEPTOR DEFICIENCY; MC4R DEFICIENCY. Identifiers: MedGen C4759928, OMIM 618406.

Submission:

3billion
Classification: Likely pathogenic for BODY MASS INDEX QUANTITATIVE TRAIT LOCUS 20. Last evaluated: 2025-07-18. Review status: criteria provided, single submitter. Criteria: ACMG Guidelines, 2015. Collection method: clinical testing. Allele origin: germline. Affected: yes.
Comment: The variant is observed at an extremely low frequency in the gnomAD v4.1.0 dataset (total allele frequency: <0.001%). Predicted Consequence/Location: Frameshift: predicted to result in a loss or disruption of normal protein function through protein truncation. Multiple pathogenic variants are reported in the predicted truncated region. Therefore, this variant is classified as Likely pathogenic according to the recommendation of ACMG/AMP guideline.

NM_005912.3(MC4R):c.835_836del (p.Cys279fs)

Gene: MC4R (melanocortin 4 receptor; minus strand). Cytogenetic location: 18q21.32.
Variant type: Microsatellite.
Coding change: c.835_836del on transcript NM_005912.3 (MANE Select); coding-DNA positions 835 to 836, 2 bases deleted (TG; older notation c.835_836delTG).
Protein change: p.Cys279fs; shifts the reading frame from cysteine 279.
Molecular consequence: frameshift variant.
Genome position (GRCh38, 1-based): chr18:60,371,514-60,371,515, CA deleted on the plus strand (TG on the coding strand, the reverse complement: MC4R is on the minus strand); deleting any 2 consecutive bases within chr18:60,371,514-60,371,521 gives the same sequence; the c. name uses the placement nearest the transcript's 3' end. VCF-style (leftmost placement, unchanged base first): chr18-60371513-GCA-G. GRCh37 (hg19) VCF-style: chr18-58038746-GCA-G.
Other names: short protein forms C279fs.
Identifiers: ClinVar variation 4856165 (VCV004856165.1).